The following is an entry in ClinVar:

ClinVar aggregate classification (germline): Pathogenic (1 of 4 stars; one submission).

Conditions:
Lymphatic malformation 6 (LMPHM6). Also called: GENERALIZED LYMPHATIC DYSPLASIA OF FOTIOU; Lymphedema, hereditary, III; PIEZO1-related generalized lymphatic dysplasia with non-immune hydrops fetalis. Identifiers: Orphanet 568062, MedGen C4225184, MONDO:0014797, OMIM 616843.

Submission:

Victorian Clinical Genetics Services, Murdoch Childrens Research Institute
Classification: Pathogenic for Lymphatic malformation 6. Last evaluated: 2023-07-16. Review status: criteria provided, single submitter. Criteria: ACMG Guidelines, 2015. Collection method: clinical testing. Allele origin: germline. Inheritance: Autosomal recessive inheritance. Affected: yes.
Comment: Based on the classification scheme VCGS_Germline_v1.3.4, this variant is classified as Pathogenic. Following criteria are met: 0103 - Loss of function and gain of function are known mechanisms of disease in this gene and are associated with lymphatic malformation 6 (LMPHM6; MIM#616843), and dehydrated hereditary stomatocytosis with or without pseudohyperkalemia and/or perinatal edema (DHS; MIM#194380), respectively (OMIM). (I) 0108 - This gene is associated with both recessive and dominant disease. LMPHM6 has been reported in individuals with biallelic variants, while DHS has only been reported in individuals with heterozygous missense variants or inframe duplication variants with a gain of function mechanism (OMIM). (I) 0201 - Variant is predicted to cause nonsense-mediated decay (NMD) and loss of protein (premature termination codon is located at least 54 nucleotides upstream of the final exon-exon junction). (SP) 0251 - This variant is heterozygous. (I) 0301 - Variant is absent from gnomAD (both v2 and v3). (SP) 0701 - Other NMD-predicted variants comparable to the one identified in this case have very strong previous evidence for pathogenicity. These variants have been reported many times as pathogenic, and in individuals with lymphatic malformation (DECIPHER, PMID: 26333996). (SP) 0803 - This variant has limited previous evidence of pathogenicity in an unrelated individual. (SP) 0905 - No published segregation evidence has been identified for this variant. (I) 1007 - No published functional evidence has been identified for this variant. (I) Legend: (SP) - Supporting pathogenic, (I) - Information, (SB) - Supporting benign

Literature cited by the submitters: PubMed 26333996.

NM_001142864.4(PIEZO1):c.2248G>T (p.Glu750Ter)

Genes: HSALR1 (HSP90AB1 associated lncRNA 1; plus strand), PIEZO1 (piezo type mechanosensitive ion channel component 1 (Er blood group); minus strand). Cytogenetic location: 16q24.3.
Variant type: single nucleotide variant.
Coding change: c.2248G>T on transcript NM_001142864.4 (MANE Select); coding-DNA position 2248, G replaced by T.
Protein change: p.Glu750Ter; replaces glutamic acid 750 with a stop codon.
Molecular consequence: nonsense.
Genome position (GRCh38, 1-based): chr16:88,733,987, C>A on the plus strand (G>T on the coding strand, the complement: PIEZO1 is on the minus strand). VCF-style: chr16-88733987-C-A. GRCh37 (hg19) VCF-style: chr16-88800395-C-A.
Other names: short protein forms E750*.
Identifiers: ClinVar variation 3376774 (VCV003376774.1).
Genomic context (GRCh38, chr16:88,733,987, plus strand): 5'-GGTGGGGAGTGGCCACGCCCAGCCCCTCGTCCCTGGAGTCCTCCTCCTCCTCCTCCTCCT[C>A]CTGCTGCTGCTGCTGATGCTCCTGCTGCTCCTCCCGCAGCAGTGGGGTCCCACTCACTGC-3'